The following is an entry in ClinVar:

NM_001142800.2(EYS):c.-342T>C

Gene: EYS (EGF-like photoreceptor maintenance factor; minus strand). Cytogenetic location: 6q12.
Variant type: single nucleotide variant.
Coding change: c.-342T>C on transcript NM_001142800.2 (MANE Select); 342 bases upstream of the start codon, T replaced by C.
Molecular consequence: 5 prime UTR variant.
Genome position (GRCh38, 1-based): chr6:65,639,787, A>G on the plus strand (T>C on the coding strand, the complement: EYS is on the minus strand). VCF-style: chr6-65639787-A-G. GRCh37 (hg19) VCF-style: chr6-66349680-A-G.
Other names: c.-342T>C (NM_001142801.2, NM_001292009.2).
Identifiers: ClinVar variation 1369633 (VCV001369633.8), dbSNP rs557146196, ClinGen allele CA140452324.

ClinVar aggregate classification (germline): Uncertain significance (1 of 4 stars; one submission).

Allele frequency attached by ClinVar (database versions not stated): gnomAD 0.00001; 1000 Genomes Project 30x 0.00016; 1000 Genomes Project 0.00020.
gnomAD v4.1: 1 of 152,302 alleles (0.00066%); highest among the groups gnomAD compares: South Asian, 0.021%; no homozygotes.

Submission:

Labcorp Genetics (formerly Invitae), Labcorp
Classification: Uncertain significance. Last evaluated: 2021-02-08. Review status: criteria provided, single submitter. Criteria: Invitae Variant Classification Sherloc (09022015). Collection method: clinical testing. Allele origin: germline.
Comment: This variant occurs in a non-coding region of the EYS gene. It does not change the encoded amino acid sequence of the EYS protein. In summary, the available evidence is currently insufficient to determine the role of this variant in disease. Therefore, it has been classified as a Variant of Uncertain Significance. This variant has not been reported in the literature in individuals with EYS-related conditions. The frequency data for this variant in the population databases is considered unreliable, as metrics indicate insufficient coverage at this position in the ExAC database.